The following is an entry in ClinVar:

ClinVar aggregate classification (germline): Uncertain significance (1 of 4 stars; one submission).

Submission:

GeneDx
Classification: Uncertain significance. Last evaluated: 2026-03-03. Review status: criteria provided, single submitter. Criteria: GeneDx Variant Classification Process June 2021. Collection method: clinical testing. Allele origin: germline.
Comment: Not observed at significant frequency in large population cohorts (gnomAD); In silico analysis suggests that this missense variant does not alter protein structure/function; Has not been previously published as pathogenic or benign to our knowledge

NM_000827.4(GRIA1):c.1948G>T (p.Ala650Ser)

Gene: GRIA1 (glutamate ionotropic receptor AMPA type subunit 1; plus strand). Cytogenetic location: 5q33.2.
Variant type: single nucleotide variant.
Coding change: c.1948G>T on transcript NM_000827.4 (MANE Select); coding-DNA position 1948, G replaced by T.
Protein change: p.Ala650Ser; replaces alanine 650 with serine.
Molecular consequence: missense variant. On other transcripts: non-coding transcript variant (2).
Genome position (GRCh38, 1-based): chr5:153,764,558, G>T. VCF-style: chr5-153764558-G-T. GRCh37 (hg19) VCF-style: chr5-153144118-G-T.
Other names: c.1948G>T, p.Ala650Ser (NM_001114183.2); c.1708G>T, p.Ala570Ser (NM_001258019.2); c.1663G>T, p.Ala555Ser (NM_001258020.2); c.1978G>T, p.Ala660Ser (NM_001258021.2, NM_001258022.2); c.1741G>T, p.Ala581Ser (NM_001258023.1, NM_001364167.2); c.1780G>T, p.Ala594Ser (NM_001364165.2); c.1975G>T, p.Ala659Ser (NM_001364166.2); short protein forms A650S, A570S, A659S, A660S, A555S, A581S, A594S.
Identifiers: ClinVar variation 5008440 (VCV005008440.1).
Genomic context (GRCh38, chr5:153,764,558, plus strand): 5'-TATACAGCCAATCTGGCCGCCTTCCTGACCGTGGAGAGGATGGTGTCTCCCATTGAGAGT[G>T]CAGAGGACCTAGCGAAGCAGACAGAAATTGCCTACGGGACGCTGGAAGCAGGATCTACTA-3'
Protein context (NP_000818.2, residues 640-660): VERMVSPIES[Ala650Ser]EDLAKQTEIA